The following is an entry in ClinVar:

ClinVar aggregate classification (germline): Pathogenic (1 of 4 stars; one submission).

Conditions:
Hereditary diffuse gastric adenocarcinoma (HDGC). Also called: DIFFUSE GASTRIC AND LOBULAR BREAST CANCER SYNDROME. Identifiers: Orphanet 26106, MedGen C1708349, MONDO:0007648, OMIM 137215.

Submission:

European Reference Network on Genetic Tumour Risk Syndromes (ERN-GENTURIS), i3s - Instituto de Investigação e Inovação em Saúde, University of Porto
Classification: Pathogenic for Hereditary diffuse gastric adenocarcinoma. Last evaluated: 2022-08-01. Review status: criteria provided, single submitter. Criteria: Lee et al. (Hum Mutat. 2018). Collection method: clinical testing. Allele origin: germline. Inheritance: Autosomal dominant inheritance. Affected: yes. Study: ERN GENTURIS.
Comment: PVS1; PS4_Supporting; PM2 (PMID: 30311375)

Literature cited by the submitters: PubMed 36436516.

NM_004360.5(CDH1):c.1786G>T (p.Glu596Ter)

Gene: CDH1 (cadherin 1; plus strand). Cytogenetic location: 16q22.1.
Variant type: single nucleotide variant.
Coding change: c.1786G>T on transcript NM_004360.5 (MANE Select); coding-DNA position 1786, G replaced by T.
Protein change: p.Glu596Ter; replaces glutamic acid 596 with a stop codon.
Molecular consequence: nonsense. On other transcripts: 5 prime UTR variant (1).
Genome position (GRCh38, 1-based): chr16:68,822,075, G>T. VCF-style: chr16-68822075-G-T. GRCh37 (hg19) VCF-style: chr16-68855978-G-T.
Other names: c.1603G>T, p.Glu535Ter (NM_001317184.2); c.238G>T, p.Glu80Ter (NM_001317185.2); c.-180G>T (NM_001317186.2); short protein forms E535*, E596*, E80*.
Identifiers: ClinVar variation 2502979 (VCV002502979.1), dbSNP rs1555516844, ClinGen allele CA396466648.